The following is an entry in ClinVar:

ClinVar aggregate classification (germline): Benign (1 of 4 stars; one submission).

Conditions:
RAB23-related Carpenter syndrome. Also called: ACPS II; Carpenter syndrome 1. Identifiers: Orphanet 65759, MedGen C4551510, MONDO:0008710, OMIM 201000.

Allele frequency attached by ClinVar (database versions not stated): 1000 Genomes Project 0.10643; TOPMed 0.15321; gnomAD 0.15833 and 0.15299.

Submission:

Illumina Laboratory Services, Illumina
Classification: Benign for RAB23-related Carpenter syndrome. Last evaluated: 2018-01-13. Review status: criteria provided, single submitter. Criteria: ICSL Variant Classification Criteria 13 December 2019. Collection method: clinical testing. Allele origin: germline.
Comment: This variant was observed in the ICSL laboratory as part of a predisposition screen in an ostensibly healthy population. It had not been previously curated by ICSL or reported in the Human Gene Mutation Database (HGMD: prior to June 1st, 2018), and was therefore a candidate for classification through an automated scoring system. Utilizing variant allele frequency, disease prevalence and penetrance estimates, and inheritance mode, an automated score was calculated to assess if this variant is too frequent to cause the disease. Based on the score and internal cut-off values, a variant classified as benign is not then subjected to further curation. The score for this variant resulted in a classification of benign for this disease.

NM_016277.5(RAB23):c.*2273T>C

Genes: RAB23 (RAB23, member RAS oncogene family; minus strand), BAG2 (BAG cochaperone 2; plus strand). Cytogenetic location: 6p12.1.
Variant type: single nucleotide variant.
Coding change: c.*2273T>C on transcript NM_016277.5 (MANE Select); 2273 bases downstream of the stop codon, T replaced by C.
Molecular consequence: 3 prime UTR variant. On other transcripts: non-coding transcript variant (1).
Genome position (GRCh38, 1-based): chr6:57,188,188, A>G on the plus strand (T>C on the coding strand, the complement: RAB23 is on the minus strand). VCF-style: chr6-57188188-A-G. GRCh37 (hg19) VCF-style: chr6-57052986-A-G.
Other names: c.*2273T>C (NM_001278666.2, NM_001278667.2, NM_001278668.2 and 1 more transcripts); c.*3998A>G (NM_004282.4).
Identifiers: ClinVar variation 910332 (VCV000910332.4), dbSNP rs12211901, ClinGen allele CA15461535.